The following is an entry in ClinVar:

NM_001282144.2(NLRX1):c.141-216G>A

Gene: NLRX1 (NLR family member X1; plus strand). Cytogenetic location: 11q23.3.
Variant type: single nucleotide variant.
Coding change: c.141-216G>A on transcript NM_001282144.2 (MANE Select); 216 bases into the intron before coding-DNA position 141, G replaced by A.
Molecular consequence: intron variant.
Genome position (GRCh38, 1-based): chr11:119,172,685, G>A. VCF-style: chr11-119172685-G-A. GRCh37 (hg19) VCF-style: chr11-119043394-G-A.
Other names: c.141-216G>A (NM_001282358.2, NM_024618.4, NM_001282143.2).
Identifiers: ClinVar variation 103131 (VCV000103131.2), dbSNP rs199476036, ClinGen allele CA230162.

ClinVar aggregate classification (germline): not provided (0 of 4 stars; one submission).

Allele frequency attached by ClinVar (database versions not stated): gnomAD 0.00025; TOPMed 0.00033.

Submission:

Human Evolutionary Genetics, Institut Pasteur
No classification provided. Review status: no classification provided. Collection method: not provided. Allele origin: germline.
ClinVar note: Converted during submission from untested to not provided.